The following is an entry in ClinVar:

ClinVar aggregate classification (germline): Uncertain significance (1 of 4 stars; one submission).

Conditions:
Peroxisome biogenesis disorder. Identifiers: Orphanet 79189, MedGen C1832200, MONDO:0019234. Disease mechanism: loss of function.

gnomAD v4.1: 1 of 1,613,926 alleles (0.000062%); highest among the groups gnomAD compares: Non-Finnish European, 0.000085%; no homozygotes.

Submission:

Labcorp Genetics (formerly Invitae), Labcorp
Classification: Uncertain significance for Peroxisome biogenesis disorder. Last evaluated: 2021-11-11. Review status: criteria provided, single submitter. Criteria: Invitae Variant Classification Sherloc (09022015). Collection method: clinical testing. Allele origin: germline.
Comment: This sequence change replaces leucine, which is neutral and non-polar, with isoleucine, which is neutral and non-polar, at codon 858 of the PEX6 protein (p.Leu858Ile). This variant is not present in population databases (gnomAD no frequency). This variant has not been reported in the literature in individuals affected with PEX6-related conditions. Algorithms developed to predict the effect of missense changes on protein structure and function are either unavailable or do not agree on the potential impact of this missense change (SIFT: "Deleterious"; PolyPhen-2: "Probably Damaging"; Align-GVGD: "Class C0"). In summary, the available evidence is currently insufficient to determine the role of this variant in disease. Therefore, it has been classified as a Variant of Uncertain Significance.

NM_000287.4(PEX6):c.2572C>A (p.Leu858Ile)

Gene: PEX6 (peroxisomal biogenesis factor 6; minus strand). Cytogenetic location: 6p21.1.
Variant type: single nucleotide variant.
Coding change: c.2572C>A on transcript NM_000287.4 (MANE Select); coding-DNA position 2572, C replaced by A.
Protein change: p.Leu858Ile; replaces leucine 858 with isoleucine.
Molecular consequence: missense variant. On other transcripts: non-coding transcript variant (1).
Genome position (GRCh38, 1-based): chr6:42,965,268, G>T on the plus strand (C>A on the coding strand, the complement: PEX6 is on the minus strand). VCF-style: chr6-42965268-G-T. GRCh37 (hg19) VCF-style: chr6-42933006-G-T.
Other names: c.2308C>A, p.Leu770Ile (NM_001316313.2); short protein forms L770I, L858I.
Identifiers: ClinVar variation 1357315 (VCV001357315.5), dbSNP rs1769725500, ClinGen allele CA364150885.
Genomic context (GRCh38, chr6:42,965,268, plus strand): 5'-GAGGCACAAAATGAGGGTGGAGATGAGCAGTACAAGGGGCCCACCTGCCAGGCCGCAGAA[G>T]GGCAGGGTCCAGGAGATCTGGTCTGTTGGTGGCTCCAATCACAAACACATCCTGAGTGCT-3'
Protein context (NP_000278.3, residues 848-868): TNRPDLLDPA[Leu858Ile]LRPGRFDKLV